The following is an entry in ClinVar:

NM_000399.5(EGR2):c.214G>A (p.Asp72Asn)

Gene: EGR2 (early growth response 2; minus strand). Cytogenetic location: 10q21.3.
Variant type: single nucleotide variant.
Coding change: c.214G>A on transcript NM_000399.5 (MANE Select); coding-DNA position 214, G replaced by A.
Protein change: p.Asp72Asn; replaces aspartic acid 72 with asparagine.
Molecular consequence: missense variant.
Genome position (GRCh38, 1-based): chr10:62,814,424, C>T on the plus strand (G>A on the coding strand, the complement: EGR2 is on the minus strand). VCF-style: chr10-62814424-C-T. GRCh37 (hg19) VCF-style: chr10-64574184-C-T.
Other names: c.214G>A, p.Asp72Asn (NM_001136177.3, NM_001136178.2); c.64G>A, p.Asp22Asn (NM_001136179.3, NM_001321037.2); short protein forms D72N, D22N.
Identifiers: ClinVar variation 1039022 (VCV001039022.8), dbSNP rs1362876954, ClinGen allele CA377032312.

ClinVar aggregate classification (germline): Uncertain significance (1 of 4 stars; one submission).

Conditions:
Charcot-Marie-Tooth disease, type I (CMT1). Also called: Charcot-Marie-Tooth, Type 1; Charcot-Marie-Tooth disease type 1. Identifiers: Orphanet 65753, MedGen C0751036, MONDO:0019011.

Allele frequency attached by ClinVar (database versions not stated): gnomAD exomes below 0.00001; gnomAD 0.00001.

Submission:

Labcorp Genetics (formerly Invitae), Labcorp
Classification: Uncertain significance for Charcot-Marie-Tooth disease, type I. Last evaluated: 2020-10-09. Review status: criteria provided, single submitter. Criteria: Invitae Variant Classification Sherloc (09022015). Collection method: clinical testing. Allele origin: germline.
Comment: In summary, the available evidence is currently insufficient to determine the role of this variant in disease. Therefore, it has been classified as a Variant of Uncertain Significance. Algorithms developed to predict the effect of missense changes on protein structure and function (SIFT, PolyPhen-2, Align-GVGD) all suggest that this variant is likely to be tolerated, but these predictions have not been confirmed by published functional studies and their clinical significance is uncertain. This variant has not been reported in the literature in individuals with EGR2-related conditions. This variant is not present in population databases (ExAC no frequency). This sequence change replaces aspartic acid with asparagine at codon 72 of the EGR2 protein (p.Asp72Asn). The aspartic acid residue is moderately conserved and there is a small physicochemical difference between aspartic acid and asparagine.